The following is an entry in ClinVar:

NM_001904.4(CTNNB1):c.1683+1G>C

Genes: CTNNB1 (catenin beta 1; plus strand), LOC126806659 (BRD4-independent group 4 enhancer GRCh37_chr3:41274918-41276117; plus strand). Cytogenetic location: 3p22.1.
Variant type: single nucleotide variant.
Coding change: c.1683+1G>C on transcript NM_001904.4 (MANE Select); the canonical splice donor site of the intron after coding-DNA position 1683, G replaced by C.
Molecular consequence: splice donor variant.
Genome position (GRCh38, 1-based): chr3:41,234,298, G>C. VCF-style: chr3-41234298-G-C. GRCh37 (hg19) VCF-style: chr3-41275789-G-C.
Other names: c.1662+1G>C (NM_001330729.2); c.1683+1G>C (NM_001098209.2, NM_001098210.2).
Identifiers: ClinVar variation 3645860 (VCV003645860.2).

ClinVar aggregate classification (germline): Pathogenic (1 of 4 stars; one submission).

Submission:

Labcorp Genetics (formerly Invitae), Labcorp
Classification: Pathogenic. Last evaluated: 2024-03-13. Review status: criteria provided, single submitter. Criteria: Invitae Variant Classification Sherloc (09022015). Collection method: clinical testing. Allele origin: germline.
Comment: This sequence change affects a donor splice site in intron 10 of the CTNNB1 gene. It is expected to disrupt RNA splicing. Variants that disrupt the donor or acceptor splice site typically lead to a loss of protein function (PMID: 16199547), and loss-of-function variants in CTNNB1 are known to be pathogenic (PMID: 23033978, 24614104, 25326669, 26350204, 28575650). This variant is not present in population databases (gnomAD no frequency). Disruption of this splice site has been observed in individual(s) with CTNNB1-related conditions (PMID: 25326669). In at least one individual the variant was observed to be de novo. Algorithms developed to predict the effect of sequence changes on RNA splicing suggest that this variant may disrupt the consensus splice site. For these reasons, this variant has been classified as Pathogenic.

Literature cited by the submitters: PubMed 16199547; PubMed 23033978; PubMed 24614104; PubMed 25326669; PubMed 26350204; PubMed 28575650.